The following is an entry in ClinVar:

NM_001256071.3(RNF213):c.12023T>G (p.Val4008Gly)

Genes: RNF213 (ring finger protein 213; plus strand), RNF213-AS1 (RNF213 antisense RNA 1; minus strand). Cytogenetic location: 17q25.3.
Variant type: single nucleotide variant.
Coding change: c.12023T>G on transcript NM_001256071.3 (MANE Select); coding-DNA position 12023, T replaced by G.
Protein change: p.Val4008Gly; replaces valine 4008 with glycine.
Molecular consequence: missense variant.
Genome position (GRCh38, 1-based): chr17:80,368,011, T>G. VCF-style: chr17-80368011-T-G. GRCh37 (hg19) VCF-style: chr17-78341811-T-G.
Other names: c.12170T>G, p.Val4057Gly (NM_001410195.1, NM_020914.5); short protein forms V4008G, V4057G.
Identifiers: ClinVar variation 2832568 (VCV002832568.3), dbSNP rs2511483046, ClinGen allele CA401409052.
Genomic context (GRCh38, chr17:80,368,011, plus strand): 5'-TGGATTCTAGGTTTGGGATTCAGCCGTGCTCCATCTGCCTGGGAGATGCAAAGGACCCCG[T>G]CTGTCTGCCCTGCGACCACGTGCACTGCCTGCGCTGCCTCAGGGCCTGGTTTGCCTCAGA-3'
Protein context (NP_001243000.2, residues 3998-4018): SICLGDAKDP[Val4008Gly]CLPCDHVHCL

ClinVar aggregate classification (germline): Uncertain significance (1 of 4 stars; one submission).

Submission:

Labcorp Genetics (formerly Invitae), Labcorp
Classification: Uncertain significance. Last evaluated: 2023-02-03. Review status: criteria provided, single submitter. Criteria: Invitae Variant Classification Sherloc (09022015). Collection method: clinical testing. Allele origin: germline.
Comment: In summary, the available evidence is currently insufficient to determine the role of this variant in disease. Therefore, it has been classified as a Variant of Uncertain Significance. Algorithms developed to predict the effect of missense changes on protein structure and function are either unavailable or do not agree on the potential impact of this missense change (SIFT: "Deleterious"; PolyPhen-2: "Probably Damaging"; Align-GVGD: "Class C0"). This variant has not been reported in the literature in individuals affected with RNF213-related conditions. This variant is not present in population databases (gnomAD no frequency). This sequence change replaces valine, which is neutral and non-polar, with glycine, which is neutral and non-polar, at codon 4008 of the RNF213 protein (p.Val4008Gly).